The following is an entry in ClinVar:

NM_173660.5(DOK7):c.1511_1513del (p.Pro504_Ter505delinsArg)

Gene: DOK7 (docking protein 7; plus strand). Cytogenetic location: 4p16.3.
Variant type: Deletion.
Coding change: c.1511_1513del on transcript NM_173660.5 (MANE Select); coding-DNA positions 1511 to 1513, 3 bases deleted (CTT; older notation c.1511_1513delCTT).
Protein change: p.Pro504_Ter505delinsArg.
Molecular consequence: stop lost. On other transcripts: 3 prime UTR variant (1), intron variant (2).
Genome position (GRCh38, 1-based): chr4:3,493,497-3,493,499, CTT deleted. VCF-style (leftmost placement, unchanged base first): chr4-3493496-CCTT-C. GRCh37 (hg19) VCF-style: chr4-3495223-CCTT-C.
Other names: c.*732_*734del (NM_001164673.2); c.581_583del, p.Pro194_Ter195delinsArg (NM_001256896.2); c.1497+14_1497+16del (NM_001301071.2); c.1065+14_1065+16del (NM_001363811.2); c.1511_1513delCTT (NM_173660.5, NM_173660.4).
Identifiers: ClinVar variation 817050 (VCV000817050.32), dbSNP rs762345055, ClinGen allele CA2829558.

ClinVar aggregate classification (germline): Pathogenic/Likely pathogenic. Review status: criteria provided, multiple submitters, no conflicts (2 of 4 stars). 5 submissions from 5 submitters: Pathogenic (1); Likely pathogenic (4). Last evaluated 2026-01-05.

Conditions:
Autosomal recessive DOK7-related disorders.
Congenital myasthenic syndrome 10. Also called: Myasthenia, limb-girdle, familial. Identifiers: Orphanet 590, MedGen C1850792, MONDO:0009690, OMIM 254300.
Abnormality of the musculature. Identifiers: MedGen C4021745, HP:0003011.
Fetal akinesia deformation sequence 1 (FADS1). Also called: Fetal akinesia sequence; Pena-Shokeir syndrome type I. Identifiers: Orphanet 994, MedGen C1276035, MONDO:0100101, OMIM 208150, HP:0001989.

Allele frequency attached by ClinVar (database versions not stated): TOPMed 0.00001; ExAC 0.00002; gnomAD exomes 0.00002 and 0.00003; gnomAD 0.00003.

Submissions (5):

Labcorp Genetics (formerly Invitae), Labcorp
Classification: Pathogenic for Congenital myasthenic syndrome 10; Fetal akinesia deformation sequence 1. Last evaluated: 2026-01-05. Review status: criteria provided, single submitter. Criteria: Invitae Variant Classification Sherloc (09022015). Collection method: clinical testing. Allele origin: germline.
Comment: This sequence change disrupts the translational stop signal of the DOK7 mRNA. It is expected to extend the length of the DOK7 protein by 182 additional amino acid residues. This variant is present in population databases (rs762345055, gnomAD 0.04%). This protein extension has been observed in individuals with congenital myasthenic syndrome (PMID: 8907197, 22661499, 25557462). It has also been observed to segregate with disease in related individuals. ClinVar contains an entry for this variant (Variation ID: 817050). This variant results in an extension of the DOK7 protein. Other variant(s) that result in a similarly extended protein product (p.*505Argext*182) have been observed in individuals with DOK7-related disease (PMID: 18626973). This suggests that these extensions may be clinically significant. For these reasons, this variant has been classified as Pathogenic.

GeneDx
Classification: Likely pathogenic. Last evaluated: 2025-11-06. Review status: criteria provided, single submitter. Criteria: GeneDx Variant Classification Process June 2021. Collection method: clinical testing. Allele origin: germline. Affected: yes.
Comment: Frameshift variant predicted to result in abnormal protein length as the last 1 amino acid(s) are replaced with 182 different amino acid(s); This variant is associated with the following publications: (PMID: 25557462, 22661499, 38374194)

Variantyx, Inc.
Classification: Likely pathogenic for Autosomal recessive DOK7-related disorders. Last evaluated: 2025-07-15. Review status: criteria provided, single submitter. Criteria: Variantyx Assertion Criteria 2022. Collection method: clinical testing. Allele origin: germline. Inheritance: Autosomal recessive inheritance. Affected: no.
Comment: This is a stop loss variant in the DOK7 gene (OMIM: 610285). Pathogenic variants in this gene have been associated with autosomal recessive DOK7-related disorders. This variant results in loss of the termination codon leading to an elongated protein (PM4). This variant has been identified in the homozygous state in many individuals (PMID: 38374194, 22661499, 25557462, 38907197) (PM3_Strong) and has a 0.0089% maximum allele frequency in non-founder control populations (PM2). Based on the current evidence, this variant is classified as likely pathogenic for autosomal recessive DOK7-related disorders.

Human Genetics Section, Sidra Medicine
Classification: Likely pathogenic for Congenital myasthenic syndrome 10. Last evaluated: 2024-02-28. Review status: criteria provided, single submitter. Criteria: ACMG Guidelines, 2015. Collection method: research. Allele origin: germline. Affected: yes. Observed: 1 variant allele.
Comment: Protein length changes resulting from in-frame deletions in a non-repeat region. ClinVar contains an entry for this variant (Variation ID: 817050) This variant was determined to be likely pathogenic according to ACMG Guidelines

Kariminejad - Najmabadi Pathology & Genetics Center
Classification: Likely pathogenic for Abnormality of the musculature. Last evaluated: 2021-07-10. Review status: criteria provided, single submitter. Criteria: ACMG Guidelines, 2015. Collection method: clinical testing. Allele origin: germline. Affected: yes.

Literature cited by the submitters: PubMed 8907197 (cited by Labcorp Genetics (formerly Invitae), Labcorp); PubMed 22661499 (cited by Labcorp Genetics (formerly Invitae), Labcorp and Variantyx, Inc.); PubMed 25557462 (cited by Labcorp Genetics (formerly Invitae), Labcorp and Variantyx, Inc.); PubMed 18626973 (cited by Labcorp Genetics (formerly Invitae), Labcorp); PubMed 38374194 (cited by Variantyx, Inc.); PubMed 38907197 (cited by Variantyx, Inc.).